The following is an entry in ClinVar:

NM_000492.4(CFTR):c.2137A>G (p.Ile713Val)

Gene: CFTR (CF transmembrane conductance regulator; plus strand). Cytogenetic location: 7q31.2.
Variant type: single nucleotide variant.
Coding change: c.2137A>G on transcript NM_000492.4 (MANE Select); coding-DNA position 2137, A replaced by G.
Protein change: p.Ile713Val; replaces isoleucine 713 with valine.
Molecular consequence: missense variant.
Genome position (GRCh38, 1-based): chr7:117,592,304, A>G. VCF-style: chr7-117592304-A-G. GRCh37 (hg19) VCF-style: chr7-117232358-A-G.
Other names: short protein forms I713V.
Identifiers: ClinVar variation 1786491 (VCV001786491.2), dbSNP rs1217700108, ClinGen allele CA368979959.

ClinVar aggregate classification (germline): Uncertain significance (1 of 4 stars; one submission).

Conditions:
Cystic fibrosis (CF). Also called: MUCOVISCIDOSIS. Identifiers: Orphanet 586, MedGen C0010674, MONDO:0009061, OMIM 219700. Disease mechanism: loss of function.

Allele frequency attached by ClinVar (database versions not stated): TOPMed below 0.00001; gnomAD 0.00001; gnomAD exomes below 0.00001.
gnomAD v4.1: 2 of 1,614,028 alleles (0.00012%); highest among the groups gnomAD compares: African/African-American, 0.0013%; no homozygotes.

Submission:

Ambry Genetics
Classification: Uncertain significance for Cystic fibrosis. Last evaluated: 2024-01-19. Review status: criteria provided, single submitter. Criteria: Ambry Variant Classification Scheme 2023. Collection method: clinical testing. Allele origin: germline.
Comment: The p.I713V variant (also known as c.2137A>G), located in coding exon 14 of the CFTR gene, results from an A to G substitution at nucleotide position 2137. The isoleucine at codon 713 is replaced by valine, an amino acid with highly similar properties. This amino acid position is not well conserved in available vertebrate species. In addition, this alteration is predicted to be tolerated by in silico analysis. Since supporting evidence is limited at this time, the clinical significance of this alteration remains unclear.